The following is an entry in ClinVar:

NM_000375.3(UROS):c.700G>A (p.Ala234Thr)

Gene: UROS (uroporphyrinogen III synthase; minus strand). Cytogenetic location: 10q26.2.
Variant type: single nucleotide variant.
Coding change: c.700G>A on transcript NM_000375.3 (MANE Select); coding-DNA position 700, G replaced by A.
Protein change: p.Ala234Thr; replaces alanine 234 with threonine.
Molecular consequence: missense variant. On other transcripts: non-coding transcript variant (3).
Genome position (GRCh38, 1-based): chr10:125,788,966, C>T on the plus strand (G>A on the coding strand, the complement: UROS is on the minus strand). VCF-style: chr10-125788966-C-T. GRCh37 (hg19) VCF-style: chr10-127477535-C-T.
Other names: p.Ala234Thr; c.781G>A, p.Ala261Thr (NM_001324036.2); c.700G>A, p.Ala234Thr (NM_001324037.2); c.619G>A, p.Ala207Thr (NM_001324038.2); short protein forms A207T, A234T, A261T.
Identifiers: ClinVar variation 745650 (VCV000745650.12), dbSNP rs143947596, ClinGen allele CA5738320.

ClinVar aggregate classification (germline): Likely benign. Review status: criteria provided, multiple submitters, no conflicts (2 of 4 stars). 4 submissions from 4 submitters: Likely benign (4). Last evaluated 2025-11-02.

Conditions:
UROS-related disorder. Also called: UROS-related condition.

Allele frequency attached by ClinVar (database versions not stated): 1000 Genomes Project 30x 0.00031; ExAC 0.00038; 1000 Genomes Project 0.00040; ESP Exome Variant Server 0.00062; gnomAD 0.00064 and 0.00069; TOPMed 0.00075.
gnomAD v4.1: 278 of 1,611,756 alleles (0.017%); highest among the groups gnomAD compares: African/African-American, 0.18%; no homozygotes.

Submissions (4):

Labcorp Genetics (formerly Invitae), Labcorp
Classification: Likely benign. Last evaluated: 2025-11-02. Review status: criteria provided, single submitter. Criteria: Invitae Variant Classification Sherloc (09022015). Collection method: clinical testing. Allele origin: germline.

PreventionGenetics, part of Exact Sciences
Classification: Likely benign for UROS-related condition. Last evaluated: 2024-12-18. Review status: criteria provided, single submitter. Criteria: ACMG Guidelines, 2015. Collection method: clinical testing. Allele origin: germline.
Comment: This variant is classified as likely benign based on ACMG/AMP sequence variant interpretation guidelines (Richards et al. 2015 PMID: 25741868, with internal and published modifications).

Mayo Clinic Laboratories, Mayo Clinic
Classification: Likely benign. Last evaluated: 2024-11-06. Review status: criteria provided, single submitter. Criteria: ACMG Guidelines, 2015. Collection method: clinical testing. Allele origin: germline. Observed: 2 variant alleles.
Comment: BS1, BP4

Breakthrough Genomics
Classification: Likely benign. Review status: criteria provided, single submitter. Criteria: ACMG Guidelines, 2015. Collection method: not provided. Allele origin: germline. Inheritance: Autosomal recessive inheritance. Affected: yes.

Literature cited by the submitters: PubMed 27915290 (cited by Mayo Clinic Laboratories, Mayo Clinic).